The following is an entry in ClinVar:

ClinVar aggregate classification (germline): Uncertain significance (1 of 4 stars; one submission).

Allele frequency attached by ClinVar (database versions not stated): gnomAD exomes below 0.00001 and 0.00001; TOPMed below 0.00001; ExAC 0.00001; gnomAD 0.00001.
gnomAD v4.1: 7 of 1,610,096 alleles (0.00043%); highest among the groups gnomAD compares: South Asian, 0.0011%; no homozygotes.

Submission:

Labcorp Genetics (formerly Invitae), Labcorp
Classification: Uncertain significance. Last evaluated: 2021-12-02. Review status: criteria provided, single submitter. Criteria: Invitae Variant Classification Sherloc (09022015). Collection method: clinical testing. Allele origin: germline.
Comment: In summary, the available evidence is currently insufficient to determine the role of this variant in disease. Therefore, it has been classified as a Variant of Uncertain Significance. Variants that disrupt the consensus splice site are a relatively common cause of aberrant splicing (PMID: 17576681, 9536098). Algorithms developed to predict the effect of sequence changes on RNA splicing suggest that this variant may disrupt the consensus splice site. This variant has not been reported in the literature in individuals affected with LAMB1-related conditions. This variant is present in population databases (rs776443374, gnomAD 0.0009%). This sequence change falls in intron 29 of the LAMB1 gene. It does not directly change the encoded amino acid sequence of the LAMB1 protein. It affects a nucleotide within the consensus splice site.

Literature cited by the submitters: PubMed 17576681; PubMed 9536098.

NM_002291.3(LAMB1):c.4537+4A>C

Gene: LAMB1 (laminin subunit beta 1; minus strand). Cytogenetic location: 7q31.1.
Variant type: single nucleotide variant.
Coding change: c.4537+4A>C on transcript NM_002291.3 (MANE Select); 4 bases into the intron after coding-DNA position 4537, A replaced by C.
Molecular consequence: intron variant.
Genome position (GRCh38, 1-based): chr7:107,931,352, T>G on the plus strand (A>C on the coding strand, the complement: LAMB1 is on the minus strand). VCF-style: chr7-107931352-T-G. GRCh37 (hg19) VCF-style: chr7-107571797-T-G.
Identifiers: ClinVar variation 1406007 (VCV001406007.4), dbSNP rs776443374, ClinGen allele CA4435011.